The following is an entry in ClinVar:

Conditions:
Breast-ovarian cancer, familial, susceptibility to, 1 (BROVCA1). Also called: BRCA1 Hereditary Breast and Ovarian Cancer; OVARIAN CANCER, SUSCEPTIBILITY TO. Identifiers: Orphanet 145, MedGen C2676676, MONDO:0011450, OMIM 604370. Disease mechanism: loss of function.

gnomAD v4.1: 1 of 1,570,876 alleles (0.000064%); highest among the groups gnomAD compares: Admixed American, 0.0017%; no homozygotes.

Submission:

Brotman Baty Institute, University of Washington
No classification provided (evidence only). Condition: Breast-ovarian cancer, familial 1. Review status: no classification provided. Collection method: in vitro. Allele origin: not applicable. Functional consequence: functionally_normal.
ClinVar note: "not provided" was previously submitted as the classification for the variant. However, the classification appeared to be based only on an observation of functional data so it was converted to no classification on 2025-07-30.

NM_007294.4(BRCA1):c.5193+26C>G

Gene: BRCA1 (BRCA1 DNA repair associated; minus strand). Cytogenetic location: 17q21.31.
Variant type: single nucleotide variant.
Coding change: c.5193+26C>G on transcript NM_007294.4 (MANE Select); 26 bases into the intron after coding-DNA position 5193, C replaced by G.
Molecular consequence: intron variant.
Genome position (GRCh38, 1-based): chr17:43,063,307, G>C on the plus strand (C>G on the coding strand, the complement: BRCA1 is on the minus strand). VCF-style: chr17-43063307-G-C. GRCh37 (hg19) VCF-style: chr17-41215324-G-C.
Other names: c.1740+26C>G (NM_001408458.1, NM_001408461.1, NM_001408464.1 and 7 more transcripts); c.4302+26C>G (NM_001407967.1); c.4812+26C>G (NM_001407959.1); c.4926+26C>G (NM_001407931.1, NM_001407932.1, NM_001407928.1 and 4 more transcripts); c.5049+26C>G (NM_001407747.1, NM_001407745.1, NM_001407737.1 and 21 more transcripts); c.4809+26C>G (NM_001407962.1, NM_001407960.1); c.1380+26C>G (NM_001408512.1); c.1503+26C>G (NM_001408510.1); and 72 more.
Identifiers: ClinVar variation 865135 (VCV000865135.3), dbSNP rs1177812250, ClinGen allele CA626080626.